The following is an entry in ClinVar:

NM_015425.6(POLR1A):c.1223A>G (p.Lys408Arg)

Gene: POLR1A (RNA polymerase I subunit A; minus strand). Cytogenetic location: 2p11.2.
Variant type: single nucleotide variant.
Coding change: c.1223A>G on transcript NM_015425.6 (MANE Select); coding-DNA position 1223, A replaced by G.
Protein change: p.Lys408Arg; replaces lysine 408 with arginine.
Molecular consequence: missense variant.
Genome position (GRCh38, 1-based): chr2:86,078,148, T>C on the plus strand (A>G on the coding strand, the complement: POLR1A is on the minus strand). VCF-style: chr2-86078148-T-C. GRCh37 (hg19) VCF-style: chr2-86305271-T-C.
Other names: c.1223A>G (NM_015425.3); short protein forms K408R.
Identifiers: ClinVar variation 1424482 (VCV001424482.10), dbSNP rs767729585, ClinGen allele CA1746418.

ClinVar aggregate classification (germline): Uncertain significance. Review status: criteria provided, multiple submitters, no conflicts (2 of 4 stars). 3 submissions from 3 submitters: Uncertain significance (3). Last evaluated 2026-01-13.

Conditions:
Inborn genetic diseases. Identifiers: MedGen C0950123, MeSH D030342.

Allele frequency attached by ClinVar (database versions not stated): gnomAD exomes 0.00001 and 0.00002; TOPMed 0.00017; ExAC 0.00001; gnomAD 0.00010.
gnomAD v4.1: 33 of 1,612,908 alleles (0.002%); highest among the groups gnomAD compares: African/African-American, 0.033%; no homozygotes.

Submissions (3):

Dasa
Classification: Uncertain significance. Last evaluated: 2026-01-13. Review status: criteria provided, single submitter. Criteria: DASA Assertion Criteria. Collection method: clinical testing. Allele origin: germline.
Comment: NM_015425.6(POLR1A):c.1223A>G (p.Lys408Arg) is a missense variant that results in the substitution of lysine with arginine. This variant is rare in population databases. Computational prediction algorithms are consistent with a benign effect. The currently available literature and clinical evidence are not sufficient to establish a definitive association between this variant and the reported condition. Therefore, this variant is classified as a variant of uncertain significance.

Labcorp Genetics (formerly Invitae), Labcorp
Classification: Uncertain significance. Last evaluated: 2025-12-24. Review status: criteria provided, single submitter. Criteria: Invitae Variant Classification Sherloc (09022015). Collection method: clinical testing. Allele origin: germline.
Comment: This sequence change replaces lysine, which is basic and polar, with arginine, which is basic and polar, at codon 408 of the POLR1A protein (p.Lys408Arg). This variant is present in population databases (rs767729585, gnomAD 0.02%). This variant has not been reported in the literature in individuals affected with POLR1A-related conditions. ClinVar contains an entry for this variant (Variation ID: 1424482). Invitae Evidence Modeling of protein sequence and biophysical properties (such as structural, functional, and spatial information, amino acid conservation, physicochemical variation, residue mobility, and thermodynamic stability) indicates that this missense variant is not expected to disrupt POLR1A protein function with a negative predictive value of 80%. In summary, the available evidence is currently insufficient to determine the role of this variant in disease. Therefore, it has been classified as a Variant of Uncertain Significance.

Ambry Genetics
Classification: Uncertain significance for Inborn genetic diseases. Last evaluated: 2025-08-04. Review status: criteria provided, single submitter. Criteria: Ambry Variant Classification Scheme 2023. Collection method: clinical testing. Allele origin: germline.